The following is an entry in ClinVar:

NM_031443.4(CCM2):c.679G>A (p.Asp227Asn)

Gene: CCM2 (CCM2 scaffold protein; plus strand). Cytogenetic location: 7p13.
Variant type: single nucleotide variant.
Coding change: c.679G>A on transcript NM_031443.4 (MANE Select); coding-DNA position 679, G replaced by A.
Protein change: p.Asp227Asn; replaces aspartic acid 227 with asparagine.
Molecular consequence: missense variant. On other transcripts: non-coding transcript variant (1), intron variant (1).
Genome position (GRCh38, 1-based): chr7:45,069,895, G>A. VCF-style: chr7-45069895-G-A. GRCh37 (hg19) VCF-style: chr7-45109494-G-A.
Other names: c.742G>A, p.Asp248Asn (NM_001029835.2); c.505G>A, p.Asp169Asn (NM_001167934.2, NM_001363459.2); c.679G>A, p.Asp227Asn (NM_001363458.2); c.473-2831G>A (NM_001167935.2); short protein forms D227N, D169N, D248N.
Identifiers: ClinVar variation 1347252 (VCV001347252.9), dbSNP rs770430978, ClinGen allele CA4247061.

ClinVar aggregate classification (germline): Uncertain significance. Review status: criteria provided, multiple submitters, no conflicts (2 of 4 stars). 2 submissions from 2 submitters: Uncertain significance (2). Last evaluated 2021-12-30.

Conditions:
Cerebral cavernous malformation 2. Also called: Familial Cerebral Cavernous Malformation 2. Identifiers: Orphanet 221061, MedGen C1864041, MONDO:0011304, OMIM 603284.

Allele frequency attached by ClinVar (database versions not stated): gnomAD exomes below 0.00001 and 0.00001; ExAC 0.00001.
gnomAD v4.1: 9 of 1,614,144 alleles (0.00056%); highest among the groups gnomAD compares: South Asian, 0.0011%; no homozygotes.

Submissions (2):

Labcorp Genetics (formerly Invitae), Labcorp
Classification: Uncertain significance for Cerebral cavernous malformation 2. Last evaluated: 2021-12-30. Review status: criteria provided, single submitter. Criteria: Invitae Variant Classification Sherloc (09022015). Collection method: clinical testing. Allele origin: germline.
Comment: This sequence change replaces aspartic acid, which is acidic and polar, with asparagine, which is neutral and polar, at codon 227 of the CCM2 protein (p.Asp227Asn). In summary, the available evidence is currently insufficient to determine the role of this variant in disease. Therefore, it has been classified as a Variant of Uncertain Significance. Algorithms developed to predict the effect of missense changes on protein structure and function are either unavailable or do not agree on the potential impact of this missense change (SIFT: "Deleterious"; PolyPhen-2: "Probably Damaging"; Align-GVGD: "Class C15"). This variant has not been reported in the literature in individuals affected with CCM2-related conditions. This variant is present in population databases (rs770430978, gnomAD 0.0009%).

Blueprint Genetics
Classification: Uncertain significance. Last evaluated: 2021-03-22. Review status: criteria provided, single submitter. Criteria: ACMG Guidelines, 2015. Collection method: clinical testing. Allele origin: germline.